The following is an entry in ClinVar:

NM_020433.5(JPH2):c.1699C>T (p.His567Tyr)

Gene: JPH2 (junctophilin 2; minus strand). Cytogenetic location: 20q13.12.
Variant type: single nucleotide variant.
Coding change: c.1699C>T on transcript NM_020433.5 (MANE Select); coding-DNA position 1699, C replaced by T.
Protein change: p.His567Tyr; replaces histidine 567 with tyrosine.
Molecular consequence: missense variant.
Genome position (GRCh38, 1-based): chr20:44,115,976, G>A on the plus strand (C>T on the coding strand, the complement: JPH2 is on the minus strand). VCF-style: chr20-44115976-G-A. GRCh37 (hg19) VCF-style: chr20-42744616-G-A.
Other names: short protein forms H567Y.
Identifiers: ClinVar variation 2077362 (VCV002077362.7), dbSNP rs753473501, ClinGen allele CA9868633.

ClinVar aggregate classification (germline): Uncertain significance. Review status: criteria provided, multiple submitters, no conflicts (2 of 4 stars). 4 submissions from 4 submitters: Uncertain significance (4). Last evaluated 2025-07-28.

Conditions:
Hypertrophic cardiomyopathy. Also called: HYPERTROPHIC MYOCARDIOPATHY. Identifiers: Orphanet 217569, MedGen C0007194, MeSH D002312, MONDO:0005045, HP:0001639.
Cardiovascular phenotype. Identifiers: MedGen CN230736.

Allele frequency attached by ClinVar (database versions not stated): TOPMed below 0.00001; ExAC 0.00002.
gnomAD v4.1: 12 of 1,577,274 alleles (0.00076%); highest among the groups gnomAD compares: Non-Finnish European, 0.00094%; no homozygotes.

Submissions (4):

Ambry Genetics
Classification: Uncertain significance for Cardiovascular phenotype. Last evaluated: 2025-07-28. Review status: criteria provided, single submitter. Criteria: Ambry Variant Classification Scheme 2023. Collection method: clinical testing. Allele origin: germline.
Comment: The p.H567Y variant (also known as c.1699C>T), located in coding exon 4 of the JPH2 gene, results from a C to T substitution at nucleotide position 1699. The histidine at codon 567 is replaced by tyrosine, an amino acid with similar properties. This amino acid position is conserved. In addition, this alteration is predicted to be tolerated by in silico analysis. Based on the available evidence, the clinical significance of this variant remains unclear.

Blueprint Genetics
Classification: Uncertain significance. Last evaluated: 2024-05-21. Review status: criteria provided, single submitter. Criteria: ACMG Guidelines, 2015. Collection method: clinical testing. Allele origin: germline.

GeneDx
Classification: Uncertain significance. Last evaluated: 2023-04-10. Review status: criteria provided, single submitter. Criteria: GeneDx Variant Classification Process June 2021. Collection method: clinical testing. Allele origin: germline. Affected: yes.
Comment: Not observed at significant frequency in large population cohorts (gnomAD); In silico analysis supports that this missense variant has a deleterious effect on protein structure/function; Has not been previously published as pathogenic or benign to our knowledge

Labcorp Genetics (formerly Invitae), Labcorp
Classification: Uncertain significance for Hypertrophic cardiomyopathy. Last evaluated: 2022-01-26. Review status: criteria provided, single submitter. Criteria: Invitae Variant Classification Sherloc (09022015). Collection method: clinical testing. Allele origin: germline.
Comment: This sequence change replaces histidine, which is basic and polar, with tyrosine, which is neutral and polar, at codon 567 of the JPH2 protein (p.His567Tyr). The frequency data for this variant in the population databases is considered unreliable, as metrics indicate poor data quality at this position in the gnomAD database. In summary, the available evidence is currently insufficient to determine the role of this variant in disease. Therefore, it has been classified as a Variant of Uncertain Significance. Algorithms developed to predict the effect of missense changes on protein structure and function are either unavailable or do not agree on the potential impact of this missense change (SIFT: "Tolerated"; PolyPhen-2: "Possibly Damaging"; Align-GVGD: "Class C0"). This variant has not been reported in the literature in individuals affected with JPH2-related conditions.